The following is an entry in ClinVar:

ClinVar aggregate classification (germline): Uncertain significance (1 of 4 stars; one submission).

Conditions:
DNA ligase IV deficiency. Identifiers: Orphanet 99812, MedGen C1847827, MONDO:0011686, OMIM 606593.

Allele frequency attached by ClinVar (database versions not stated): gnomAD exomes below 0.00001 and 0.00001; ExAC 0.00001.
gnomAD v4.1: 5 of 1,613,342 alleles (0.00031%); highest among the groups gnomAD compares: South Asian, 0.0011%; no homozygotes.

Submission:

Labcorp Genetics (formerly Invitae), Labcorp
Classification: Uncertain significance for DNA ligase IV deficiency. Last evaluated: 2025-10-08. Review status: criteria provided, single submitter. Criteria: Invitae Variant Classification Sherloc (09022015). Collection method: clinical testing. Allele origin: germline.
Comment: This sequence change replaces lysine, which is basic and polar, with glutamic acid, which is acidic and polar, at codon 887 of the LIG4 protein (p.Lys887Glu). This variant is present in population databases (rs780983005, gnomAD 0.003%). This variant has not been reported in the literature in individuals affected with LIG4-related conditions. ClinVar contains an entry for this variant (Variation ID: 966313). Invitae Evidence Modeling of protein sequence and biophysical properties (such as structural, functional, and spatial information, amino acid conservation, physicochemical variation, residue mobility, and thermodynamic stability) has been performed for this missense variant. However, the output from this modeling did not meet the statistical confidence thresholds required to predict the impact of this variant on LIG4 protein function. In summary, the available evidence is currently insufficient to determine the role of this variant in disease. Therefore, it has been classified as a Variant of Uncertain Significance.

NM_206937.2(LIG4):c.2659A>G (p.Lys887Glu)

Gene: LIG4 (DNA ligase 4; minus strand). Cytogenetic location: 13q33.3.
Variant type: single nucleotide variant.
Coding change: c.2659A>G on transcript NM_206937.2 (MANE Select); coding-DNA position 2659, A replaced by G.
Protein change: p.Lys887Glu; replaces lysine 887 with glutamic acid.
Molecular consequence: missense variant.
Genome position (GRCh38, 1-based): chr13:108,208,610, T>C on the plus strand (A>G on the coding strand, the complement: LIG4 is on the minus strand). VCF-style: chr13-108208610-T-C. GRCh37 (hg19) VCF-style: chr13-108860958-T-C.
Other names: c.2659A>G, p.Lys887Glu (NM_001098268.2, NM_001352598.2, NM_001352599.2 and 6 more transcripts); c.2458A>G, p.Lys820Glu (NM_001330595.2); c.2695A>G, p.Lys899Glu (NM_001352604.2); short protein forms K820E, K899E, K887E.
Identifiers: ClinVar variation 966313 (VCV000966313.8), dbSNP rs780983005, ClinGen allele CA7043449.
Genomic context (GRCh38, chr13:108,208,610, plus strand): 5'-TTTCTTCTTGTAATTCACACTTGTCTATTGAATCAGTTACCCAACTTTCTTTTAGGATTT[T>C]AAACTTTCTCTTAAAAGTTCTTCTAAAAGCTTTAAAATCTGCAACACGACTATGATCTTC-3'
Protein context (NP_996820.1, residues 877-897): AFRRTFKRKF[Lys887Glu]ILKESWVTDS